The following is an entry in ClinVar:

ClinVar aggregate classification (germline): Uncertain significance (1 of 4 stars; one submission).

Submission:

GeneDx
Classification: Uncertain significance. Last evaluated: 2022-02-15. Review status: criteria provided, single submitter. Criteria: GeneDx Variant Classification Process June 2021. Collection method: clinical testing. Allele origin: germline. Affected: yes.
Comment: Not observed at significant frequency in large population cohorts (gnomAD); In silico analysis supports that this missense variant has a deleterious effect on protein structure/function; Located in the immunoglobulin-like domain 3; Has not been previously published as pathogenic or benign to our knowledge

NM_000141.5(FGFR2):c.914G>T (p.Gly305Val)

Gene: FGFR2 (fibroblast growth factor receptor 2; minus strand). Cytogenetic location: 10q26.13.
Variant type: single nucleotide variant.
Coding change: c.914G>T on transcript NM_000141.5 (MANE Select); coding-DNA position 914, G replaced by T.
Protein change: p.Gly305Val; replaces glycine 305 with valine.
Molecular consequence: missense variant. On other transcripts: non-coding transcript variant (1), intron variant (1).
Genome position (GRCh38, 1-based): chr10:121,520,004, C>A on the plus strand (G>T on the coding strand, the complement: FGFR2 is on the minus strand). VCF-style: chr10-121520004-C-A. GRCh37 (hg19) VCF-style: chr10-123279518-C-A.
Other names: c.914G>T, p.Gly305Val (NM_001144913.1, NM_001144917.2, NM_001320658.2 and 1 more transcripts); c.647G>T, p.Gly216Val (NM_001144915.2, NM_001144919.2, NM_023029.3); c.569G>T, p.Gly190Val (NM_001144916.2, NM_001144918.2); c.230G>T, p.Gly77Val (NM_001320654.2); c.749-4685G>T (NM_001144914.1); short protein forms G190V, G216V, G305V, G77V.
Identifiers: ClinVar variation 1700926 (VCV001700926.2), dbSNP rs2134308697, ClinGen allele CA378330389.